The following is an entry in ClinVar:

NM_017763.6(RNF43):c.1817C>T (p.Pro606Leu)

Gene: RNF43 (ring finger protein 43; minus strand). Cytogenetic location: 17q22.
Variant type: single nucleotide variant.
Coding change: c.1817C>T on transcript NM_017763.6 (MANE Select); coding-DNA position 1817, C replaced by T.
Protein change: p.Pro606Leu; replaces proline 606 with leucine.
Molecular consequence: missense variant.
Genome position (GRCh38, 1-based): chr17:58,357,959, G>A on the plus strand (C>T on the coding strand, the complement: RNF43 is on the minus strand). VCF-style: chr17-58357959-G-A. GRCh37 (hg19) VCF-style: chr17-56435320-G-A.
Other names: c.1817C>T, p.Pro606Leu (NM_001305544.3, NM_001438820.1, NM_001438821.1 and 1 more transcripts); c.1436C>T, p.Pro479Leu (NM_001305545.2, NM_001437987.1); short protein forms P479L, P606L.
Identifiers: ClinVar variation 4863379 (VCV004863379.1).

ClinVar aggregate classification (germline): Uncertain significance (1 of 4 stars; one submission).

Submission:

Ambry Genetics
Classification: Uncertain significance. Last evaluated: 2026-03-20. Review status: criteria provided, single submitter. Criteria: Ambry Variant Classification Scheme 2023. Collection method: clinical testing. Allele origin: germline.
Comment: The p.P606L variant (also known as c.1817C>T), located in coding exon 8 of the RNF43 gene, results from a C to T substitution at nucleotide position 1817. The proline at codon 606 is replaced by leucine, an amino acid with similar properties. This amino acid position is conserved. In addition, this alteration is predicted to be tolerated by in silico analysis. Based on the available evidence, the clinical significance of this variant remains unclear.